The following is an entry in ClinVar:

NM_145064.3(STAC3):c.935G>A (p.Arg312His)

Gene: STAC3 (SH3 and cysteine rich domain 3; minus strand). Cytogenetic location: 12q13.3.
Variant type: single nucleotide variant.
Coding change: c.935G>A on transcript NM_145064.3 (MANE Select); coding-DNA position 935, G replaced by A.
Protein change: p.Arg312His; replaces arginine 312 with histidine.
Molecular consequence: missense variant. On other transcripts: non-coding transcript variant (1).
Genome position (GRCh38, 1-based): chr12:57,244,149, C>T on the plus strand (G>A on the coding strand, the complement: STAC3 is on the minus strand). VCF-style: chr12-57244149-C-T. GRCh37 (hg19) VCF-style: chr12-57637932-C-T.
Other names: c.818G>A, p.Arg273His (NM_001286256.2); c.377G>A, p.Arg126His (NM_001286257.2); short protein forms R126H, R312H, R273H.
Identifiers: ClinVar variation 846331 (VCV000846331.10), dbSNP rs2037674310, ClinGen allele CA385410462.

ClinVar aggregate classification (germline): Uncertain significance (1 of 4 stars; one submission).

Conditions:
Bailey-Bloch congenital myopathy (CMYO13). Also called: Congenital myopathy 13; Native American myopathy; STAC3 disorder. Identifiers: Orphanet 168572, MedGen C1850625, MONDO:0009722, OMIM 255995.

Allele frequency attached by ClinVar (database versions not stated): gnomAD exomes below 0.00001.
gnomAD v4.1: 1 of 1,614,076 alleles (0.000062%); highest among the groups gnomAD compares: African/African-American, 0.0013%; no homozygotes.

Submission:

Labcorp Genetics (formerly Invitae), Labcorp
Classification: Uncertain significance for Bailey-Bloch congenital myopathy. Last evaluated: 2022-07-12. Review status: criteria provided, single submitter. Criteria: Invitae Variant Classification Sherloc (09022015). Collection method: clinical testing. Allele origin: germline.
Comment: Algorithms developed to predict the effect of missense changes on protein structure and function are either unavailable or do not agree on the potential impact of this missense change (SIFT: "Deleterious"; PolyPhen-2: "Possibly Damaging"; Align-GVGD: "Class C0"). In summary, the available evidence is currently insufficient to determine the role of this variant in disease. Therefore, it has been classified as a Variant of Uncertain Significance. ClinVar contains an entry for this variant (Variation ID: 846331). This variant has not been reported in the literature in individuals affected with STAC3-related conditions. This variant is not present in population databases (gnomAD no frequency). This sequence change replaces arginine, which is basic and polar, with histidine, which is basic and polar, at codon 312 of the STAC3 protein (p.Arg312His).